The following is an entry in ClinVar:

ClinVar aggregate classification (germline): Uncertain significance (1 of 4 stars; one submission).

Submission:

GeneDx
Classification: Uncertain significance. Last evaluated: 2019-10-23. Review status: criteria provided, single submitter. Criteria: GeneDx Variant Classification Process June 2021. Collection method: clinical testing. Allele origin: germline. Affected: yes.
Comment: Not observed in large population cohorts (Lek et al., 2016); In silico analysis, which includes protein predictors and evolutionary conservation, supports that this variant does not alter protein structure/function; Has not been previously published as pathogenic or benign to our knowledge

NM_002637.4(PHKA1):c.3431G>A (p.Ser1144Asn)

Gene: PHKA1 (phosphorylase kinase regulatory subunit alpha 1; minus strand). Cytogenetic location: Xq13.1.
Variant type: single nucleotide variant.
Coding change: c.3431G>A on transcript NM_002637.4 (MANE Select); coding-DNA position 3431, G replaced by A.
Protein change: p.Ser1144Asn; replaces serine 1144 with asparagine.
Molecular consequence: missense variant.
Genome position (GRCh38, 1-based): chrX:72,582,465, C>T on the plus strand (G>A on the coding strand, the complement: PHKA1 is on the minus strand). VCF-style: chrX-72582465-C-T. GRCh37 (hg19) VCF-style: chrX-71802315-C-T.
Other names: c.3392G>A, p.Ser1131Asn (NM_001122670.2); c.3215G>A, p.Ser1072Asn (NM_001172436.2); short protein forms S1072N, S1131N, S1144N.
Identifiers: ClinVar variation 1309389 (VCV001309389.2), dbSNP rs2147639094, ClinGen allele CA413581176.
Genomic context (GRCh38, chrX:72,582,465, plus strand): 5'-TGAAGGAACAAGTCATTGGCAATATGCACTATTTTTTCCACAGCAATGATGCTTCCGATG[C>T]TATGAATTTCAATATCTGCCAGCATGGTGAGGACAAGGATGGCTTCAACCAGCAGCTGAC-3'
Protein context (NP_002628.2, residues 1134-1154): LTMLADIEIH[Ser1144Asn]IGSIIAVEKI